The following is an entry in ClinVar:

NM_018060.4(IARS2):c.2342A>G (p.Lys781Arg)

Gene: IARS2 (isoleucyl-tRNA synthetase 2, mitochondrial; plus strand). Cytogenetic location: 1q41.
Variant type: single nucleotide variant.
Coding change: c.2342A>G on transcript NM_018060.4 (MANE Select); coding-DNA position 2342, A replaced by G.
Protein change: p.Lys781Arg; replaces lysine 781 with arginine.
Molecular consequence: missense variant.
Genome position (GRCh38, 1-based): chr1:220,140,217, A>G. VCF-style: chr1-220140217-A-G. GRCh37 (hg19) VCF-style: chr1-220313559-A-G.
Other names: c.2342A>G (NM_018060.3); short protein forms K781R.
Identifiers: ClinVar variation 2746065 (VCV002746065.2), dbSNP rs1235414852, ClinGen allele CA344615593.
Genomic context (GRCh38, chr1:220,140,217, plus strand): 5'-AAATTTATTTTGGCTTTGTTCCCTAGATTACCGAATTATACAAACAATATGATTTTGGAA[A>G]AGTTGTTCGGCTGTTACGGACGTTTTATACCAGAGAGCTCTCTAACTTTTATTTCAGTAT-3'
Protein context (NP_060530.3, residues 771-791): TELYKQYDFG[Lys781Arg]VVRLLRTFYT

ClinVar aggregate classification (germline): Uncertain significance. Review status: criteria provided, multiple submitters, no conflicts (2 of 4 stars). 2 submissions from 2 submitters: Uncertain significance (2). Last evaluated 2025-10-02.

Conditions:
Inborn genetic diseases. Identifiers: MedGen C0950123, MeSH D030342.

Allele frequency attached by ClinVar (database versions not stated): gnomAD exomes 0.00004; gnomAD 0.00002; TOPMed 0.00002.
gnomAD v4.1: 68 of 1,612,938 alleles (0.0042%); highest among the groups gnomAD compares: Non-Finnish European, 0.0053%; no homozygotes.

Submissions (2):

Ambry Genetics
Classification: Uncertain significance for Inborn genetic diseases. Last evaluated: 2025-10-02. Review status: criteria provided, single submitter. Criteria: Ambry Variant Classification Scheme 2023. Collection method: clinical testing. Allele origin: germline.

Labcorp Genetics (formerly Invitae), Labcorp
Classification: Uncertain significance. Last evaluated: 2023-07-12. Review status: criteria provided, single submitter. Criteria: Invitae Variant Classification Sherloc (09022015). Collection method: clinical testing. Allele origin: germline.
Comment: This sequence change replaces lysine, which is basic and polar, with arginine, which is basic and polar, at codon 781 of the IARS2 protein (p.Lys781Arg). This variant is present in population databases (no rsID available, gnomAD 0.002%). This variant has not been reported in the literature in individuals affected with IARS2-related conditions. An algorithm developed to predict the effect of missense changes on protein structure and function (PolyPhen-2) suggests that this variant¬†is likely to be tolerated. In summary, the available evidence is currently insufficient to determine the role of this variant in disease. Therefore, it has been classified as a Variant of Uncertain Significance.